The following is an entry in ClinVar:

NC_000001.10:g.(?_226125141)_(226128840_?)dup

Gene: LEFTY2 (left-right determination factor 2; minus strand). Cytogenetic location: 1q42.12.
Variant type: Duplication.
Identifiers: ClinVar variation 2424661 (VCV002424661.3).

ClinVar aggregate classification (germline): Uncertain significance (1 of 4 stars; one submission).

Conditions:
Left-right axis malformations. Identifiers: MedGen C1866091.

Submission:

Labcorp Genetics (formerly Invitae), Labcorp
Classification: Uncertain significance for Left-right axis malformations. Last evaluated: 2021-10-26. Review status: criteria provided, single submitter. Criteria: Invitae Variant Classification Sherloc (09022015). Collection method: clinical testing. Allele origin: germline.
Comment: This variant results in a copy number gain of the genomic region encompassing the full coding sequence of the LEFTY2 gene. The boundaries of this event are unknown as they extend beyond the assayed region for this gene and therefore may encompass additional genes. As the precise location of this event is unknown, it may be in tandem or it may be located elsewhere in the genome. This variant has not been reported in the literature in individuals with LEFTY2-related conditions. In summary, the available evidence is currently insufficient to determine the role of this variant in disease. Therefore, it has been classified as a Variant of Uncertain Significance.